The following is an entry in ClinVar:

NM_000321.3(RB1):c.2507G>A (p.Gly836Asp)

Gene: RB1 (RB transcriptional corepressor 1; plus strand). Cytogenetic location: 13q14.2.
Variant type: single nucleotide variant.
Coding change: c.2507G>A on transcript NM_000321.3 (MANE Select); coding-DNA position 2507, G replaced by A.
Protein change: p.Gly836Asp; replaces glycine 836 with aspartic acid.
Molecular consequence: missense variant.
Genome position (GRCh38, 1-based): chr13:48,473,377, G>A. VCF-style: chr13-48473377-G-A. GRCh37 (hg19) VCF-style: chr13-49047513-G-A.
Other names: c.2507G>A, p.Gly836Asp (NM_001407165.1); short protein forms G836D.
Identifiers: ClinVar variation 4691338 (VCV004691338.1).
Genomic context (GRCh38, chr13:48,473,377, plus strand): 5'-ATGGTTTTTTATTACTAATTGGTATTTCATCTTAACTTGACAGAATCTTAGTATCAATTG[G>A]TGAATCATTCGGGGTGAGTATTTTCTTTCTATGAAATATAATAGTATGCATTGTAAGTAT-3'
Protein context (NP_000312.2, residues 826-846): TPRSRILVSI[Gly836Asp]ESFGTSEKFQ

ClinVar aggregate classification (germline): Uncertain significance (1 of 4 stars; one submission).

Conditions:
Retinoblastoma (RB1). Also called: RETINOBLASTOMA, SOMATIC. Identifiers: Orphanet 790, MedGen C0035335, MeSH D012175, MONDO:0008380, OMIM 180200, HP:0009919. Disease mechanism: loss of function. Inheritance: Both sporadic and heritable forms are tested..

gnomAD v4.1: 4 of 1,569,174 alleles (0.00025%); no homozygotes.

Submission:

Labcorp Genetics (formerly Invitae), Labcorp
Classification: Uncertain significance for Retinoblastoma. Last evaluated: 2025-02-13. Review status: criteria provided, single submitter. Criteria: Invitae Variant Classification Sherloc (09022015). Collection method: clinical testing. Allele origin: germline.
Comment: This sequence change replaces glycine, which is neutral and non-polar, with aspartic acid, which is acidic and polar, at codon 836 of the RB1 protein (p.Gly836Asp). The frequency data for this variant in the population databases is considered unreliable, as metrics indicate poor data quality at this position in the gnomAD database. This variant has not been reported in the literature in individuals affected with RB1-related conditions. Invitae Evidence Modeling of protein sequence and biophysical properties (such as structural, functional, and spatial information, amino acid conservation, physicochemical variation, residue mobility, and thermodynamic stability) has been performed for this missense variant. However, the output from this modeling did not meet the statistical confidence thresholds required to predict the impact of this variant on RB1 protein function. In summary, the available evidence is currently insufficient to determine the role of this variant in disease. Therefore, it has been classified as a Variant of Uncertain Significance.